The following is an entry in ClinVar:

NC_000009.12:g.35658072_35658073delinsCC

Gene: RMRP (RNA component of mitochondrial RNA processing endoribonuclease; minus strand). Cytogenetic location: 9p13.3.
Variant type: Indel.
Genome position: GRCh38 VCF-style: chr9-35658072-AT-CC. GRCh37 (hg19) VCF-style: chr9-35658069-AT-CC.
Identifiers: ClinVar variation 1038935 (VCV001038935.2), dbSNP rs1823655299, ClinGen allele CA1846127776.
Genomic context (GRCh38, chr9:35,658,072, plus strand): 5'-ACGAACCACGTCCTCAGCTTCACAGAGTAGTATTTTATAGCCCTAAAGAAATTGTGTTTT[AT>CC]GATTAGGGTGAGAAAGTTGGTGGCGTGAGATTAAAAAAACCGTTTTCGGGCATAACTTTC-3'

ClinVar aggregate classification (germline): Uncertain significance (1 of 4 stars; one submission).

Conditions:
Anauxetic dysplasia. Identifiers: Orphanet 93347, MedGen C1846796, MONDO:0011773.

Submission:

Labcorp Genetics (formerly Invitae), Labcorp
Classification: Uncertain significance for Anauxetic dysplasia. Last evaluated: 2022-05-20. Review status: criteria provided, single submitter. Criteria: Invitae Variant Classification Sherloc (09022015). Collection method: clinical testing. Allele origin: germline.
Comment: This variant occurs in the RMRP gene, which encodes an RNA molecule that does not result in a protein product. Information on the frequency of this variant in the gnomAD database is not available, as this variant may be reported differently in the database. This variant has not been reported in the literature in individuals affected with RMRP-related conditions. Experimental studies and prediction algorithms are not available or were not evaluated, and the functional significance of this variant is currently unknown. In summary, the available evidence is currently insufficient to determine the role of this variant in disease. Therefore, it has been classified as a Variant of Uncertain Significance.